The following is an entry in ClinVar:

NM_024685.4(BBS10):c.1700T>C (p.Ile567Thr)

Gene: BBS10 (Bardet-Biedl syndrome 10; minus strand). Cytogenetic location: 12q21.2.
Variant type: single nucleotide variant.
Coding change: c.1700T>C on transcript NM_024685.4 (MANE Select); coding-DNA position 1700, T replaced by C.
Protein change: p.Ile567Thr; replaces isoleucine 567 with threonine.
Molecular consequence: missense variant.
Genome position (GRCh38, 1-based): chr12:76,346,285, A>G on the plus strand (T>C on the coding strand, the complement: BBS10 is on the minus strand). VCF-style: chr12-76346285-A-G. GRCh37 (hg19) VCF-style: chr12-76740065-A-G.
Other names: short protein forms I567T.
Identifiers: ClinVar variation 971057 (VCV000971057.6), dbSNP rs373626588, ClinGen allele CA6694118.

ClinVar aggregate classification (germline): Uncertain significance. Review status: criteria provided, multiple submitters, no conflicts (2 of 4 stars). 3 submissions from 3 submitters: Uncertain significance (2). 1 of the submissions does not count toward it. Last evaluated 2022-12-19.

Conditions:
BBS10-related disorder. Also called: BBS10-related condition.
Bardet-Biedl syndrome (BBS). Identifiers: Orphanet 110, MedGen C0752166, MONDO:0015229.
Bardet-Biedl syndrome 10 (BBS10). Identifiers: Orphanet 110, MedGen C1859568, MONDO:0014438, OMIM 615987.

Allele frequency attached by ClinVar (database versions not stated): gnomAD 0.00002 and 0.00003; gnomAD exomes 0.00002 and 0.00006; TOPMed 0.00003; ExAC 0.00005; ESP Exome Variant Server 0.00008; 1000 Genomes Project 30x 0.00016; 1000 Genomes Project 0.00020.

Submissions (3):

PreventionGenetics, part of Exact Sciences
Classification: Uncertain significance for BBS10-related condition. Last evaluated: 2022-12-19. Review status: criteria provided, single submitter. Criteria: ACMG Guidelines, 2015. Collection method: clinical testing. Allele origin: germline.
Comment: The BBS10 c.1700T>C variant is predicted to result in the amino acid substitution p.Ile567Thr. To our knowledge, this variant has not been reported in the literature. This variant is reported in 0.055% of alleles in individuals of East Asian descent in gnomAD. At this time, the clinical significance of this variant is uncertain due to the absence of conclusive functional and genetic evidence.

Labcorp Genetics (formerly Invitae), Labcorp
Classification: Uncertain significance for Bardet-Biedl syndrome. Last evaluated: 2022-05-31. Review status: criteria provided, single submitter. Criteria: Invitae Variant Classification Sherloc (09022015). Collection method: clinical testing. Allele origin: germline.
Comment: This sequence change replaces isoleucine, which is neutral and non-polar, with threonine, which is neutral and polar, at codon 567 of the BBS10 protein (p.Ile567Thr). This variant is present in population databases (rs373626588, gnomAD 0.05%). This variant has not been reported in the literature in individuals affected with BBS10-related conditions. ClinVar contains an entry for this variant (Variation ID: 971057). Algorithms developed to predict the effect of missense changes on protein structure and function output the following: SIFT: "Tolerated"; PolyPhen-2: "Benign"; Align-GVGD: "Class C0". The threonine amino acid residue is found in multiple mammalian species, which suggests that this missense change does not adversely affect protein function. In summary, the available evidence is currently insufficient to determine the role of this variant in disease. Therefore, it has been classified as a Variant of Uncertain Significance.

Natera, Inc.
Classification: Uncertain significance for Bardet-Biedl syndrome type 10. Last evaluated: 2020-01-31. Review status: no assertion criteria provided. Collection method: clinical testing. Allele origin: germline. Not counted in ClinVar's aggregate classification.